The following is an entry in ClinVar:

ClinVar aggregate classification (germline): Uncertain significance (1 of 4 stars; one submission).

Conditions:
Inborn genetic diseases. Identifiers: MedGen C0950123, MeSH D030342.

Submission:

Ambry Genetics
Classification: Uncertain significance for Inborn genetic diseases. Last evaluated: 2025-11-17. Review status: criteria provided, single submitter. Criteria: Ambry Variant Classification Scheme 2023. Collection method: clinical testing. Allele origin: germline.
Comment: The p.T391I variant (also known as c.1172C>T), located in coding exon 10 of the KDM1A gene, results from a C to T substitution at nucleotide position 1172. The threonine at codon 391 is replaced by isoleucine, an amino acid with similar properties. This amino acid position is conserved. In addition, this alteration is predicted to be tolerated by in silico analysis. Based on the available evidence, the clinical significance of this variant remains unclear.

NM_001009999.3(KDM1A):c.1172C>T (p.Thr391Ile)

Gene: KDM1A (lysine demethylase 1A; plus strand). Cytogenetic location: 1p36.12.
Variant type: single nucleotide variant.
Coding change: c.1172C>T on transcript NM_001009999.3 (MANE Select); coding-DNA position 1172, C replaced by T.
Protein change: p.Thr391Ile; replaces threonine 391 with isoleucine.
Molecular consequence: missense variant. On other transcripts: intron variant (4).
Genome position (GRCh38, 1-based): chr1:23,066,064, C>T. VCF-style: chr1-23066064-C-T. GRCh37 (hg19) VCF-style: chr1-23392557-C-T.
Other names: c.1168-2475C>T (NM_001410762.1); c.1108-2475C>T (NM_001363654.2, NM_001410763.1, NM_015013.4); short protein forms T391I.
Identifiers: ClinVar variation 4622716 (VCV004622716.1).
Genomic context (GRCh38, chr1:23,066,064, plus strand): 5'-TGGCTGTTGGGCTGTTATTTACAGTTTATTTCTCTCTCTGCTGCACTGGTTAAAAGGACA[C>T]TGTCAAGGTATTTTTTTCATAATTTTTCAAATCATTTTCCTCACTGTTTACAATAACCCA-3'
Protein context (NP_001009999.1, residues 381-401): PLYEANGQAD[Thr391Ile]VKVPKEKDEM